The following is an entry in ClinVar:

ClinVar aggregate classification (germline): Uncertain significance. Review status: criteria provided, multiple submitters, no conflicts (2 of 4 stars). 2 submissions from 2 submitters: Uncertain significance (2). Last evaluated 2024-05-27.

Conditions:
Familial sleep-related hypermotor epilepsy. Also called: Autosomal Dominant Sleep-Related Hypermotor (Hyperkinetic) Epilepsy. Identifiers: Orphanet 98784, MedGen C3696898, MONDO:0000030.

Allele frequency attached by ClinVar (database versions not stated): TOPMed below 0.00001; gnomAD 0.00001; gnomAD exomes below 0.00001; ExAC 0.00001.
gnomAD v4.1: 2 of 1,613,918 alleles (0.00012%); highest among the groups gnomAD compares: African/African-American, 0.0027%; no homozygotes.

Submissions (2):

Labcorp Genetics (formerly Invitae), Labcorp
Classification: Uncertain significance. Last evaluated: 2024-05-27. Review status: criteria provided, single submitter. Criteria: Invitae Variant Classification Sherloc (09022015). Collection method: clinical testing. Allele origin: germline.
Comment: This sequence change replaces arginine, which is basic and polar, with serine, which is neutral and polar, at codon 134 of the CHRNA2 protein (p.Arg134Ser). This variant is present in population databases (rs773956983, gnomAD 0.008%). This variant has not been reported in the literature in individuals affected with CHRNA2-related conditions. ClinVar contains an entry for this variant (Variation ID: 204989). Advanced modeling of protein sequence and biophysical properties (such as structural, functional, and spatial information, amino acid conservation, physicochemical variation, residue mobility, and thermodynamic stability) performed at Invitae indicates that this missense variant is expected to disrupt CHRNA2 protein function with a positive predictive value of 80%. In summary, the available evidence is currently insufficient to determine the role of this variant in disease. Therefore, it has been classified as a Variant of Uncertain Significance.

GeneDx
Classification: Uncertain significance. Last evaluated: 2014-10-24. Review status: criteria provided, single submitter. Criteria: GeneDx Variant Classification (06012015). Collection method: clinical testing. Allele origin: germline. Affected: yes.
Comment: p.Arg134Ser (AGG>AGC): c.402 G>C in exon 5 of the CHRNA2 gene (NM_000742.3). A variant of unknown significance has been identified in the CHRNA2 gene. The R134S variant has not been published as a mutation, nor has it been reported as a benign polymorphism to our knowledge. It was not observed in approximately 6,500 individuals of European and African American ancestry in the NHLBI Exome Sequencing Project, indicating it is not a common benign variant in these populations. The R134S variant is a semi-conservative amino acid substitution, which may impact secondary protein structure as these residues differ in some properties. This substitution occurs at a position that is conserved across species, and in silico analysis predicts this variant is probably damaging to the protein structure/function. However, this amino acid substitution does not occur within the transmembrane region of the protein, where the vast majority of pathogenic missense mutations have been identified in association with epilepsy (Steinlein et al., 2010). Therefore, based on the currently available information, it is unclear whether this variant is a pathogenic mutation or a rare benign variant. The variant is found in EPILEPSY panel(s).

NM_000742.4(CHRNA2):c.402G>C (p.Arg134Ser)

Gene: CHRNA2 (cholinergic receptor nicotinic alpha 2 subunit; minus strand). Cytogenetic location: 8p21.2.
Variant type: single nucleotide variant.
Coding change: c.402G>C on transcript NM_000742.4 (MANE Select); coding-DNA position 402, G replaced by C.
Protein change: p.Arg134Ser; replaces arginine 134 with serine.
Molecular consequence: missense variant. On other transcripts: 5 prime UTR variant (4).
Genome position (GRCh38, 1-based): chr8:27,467,276, C>G on the plus strand (G>C on the coding strand, the complement: CHRNA2 is on the minus strand). VCF-style: chr8-27467276-C-G. GRCh37 (hg19) VCF-style: chr8-27324793-C-G.
Other names: p.R134S:AGG>AGC; c.357G>C, p.Arg119Ser (NM_001282455.2); c.-71G>C (NM_001347705.2, NM_001347706.2); c.-57G>C (NM_001347707.2); c.-60G>C (NM_001347708.2); short protein forms R134S, R119S.
Identifiers: ClinVar variation 204989 (VCV000204989.5), dbSNP rs773956983, ClinGen allele CA313498.